The following is an entry in ClinVar:

ClinVar aggregate classification (germline): Likely benign (1 of 4 stars; one submission).

Conditions:
SLCO1B3-related disorder. Also called: SLCO1B3-related condition.

gnomAD v4.1: 27 of 1,596,428 alleles (0.0017%); highest among the groups gnomAD compares: East Asian, 0.0022%; no homozygotes.

Submission:

PreventionGenetics, part of Exact Sciences
Classification: Likely benign for SLCO1B3-related condition. Last evaluated: 2025-03-26. Review status: criteria provided, single submitter. Criteria: ACMG Guidelines, 2015. Collection method: clinical testing. Allele origin: germline.
Comment: This variant is classified as likely benign based on ACMG/AMP sequence variant interpretation guidelines (Richards et al. 2015 PMID: 25741868, with internal and published modifications).

NM_019844.4(SLCO1B3):c.282G>A (p.Pro94=)

Genes: SLCO1B3 (solute carrier organic anion transporter family member 1B3; plus strand), SLCO1B3-SLCO1B7 (SLCO1B3-SLCO1B7 readthrough; plus strand). Cytogenetic location: 12p12.2.
Variant type: single nucleotide variant.
Coding change: c.282G>A on transcript NM_019844.4 (MANE Select); coding-DNA position 282, G replaced by A.
Protein change: p.Pro94=; no amino-acid change (proline 94 retained).
Molecular consequence: synonymous variant.
Genome position (GRCh38, 1-based): chr12:20,858,494, G>A. VCF-style: chr12-20858494-G-A. GRCh37 (hg19) VCF-style: chr12-21011428-G-A.
Other names: c.282G>A, p.Pro94= (NM_001371097.1); c.198G>A, p.Pro66= (NM_001349920.2).
Identifiers: ClinVar variation 4988573 (VCV004988573.1).